The following is an entry in ClinVar:

NM_002900.3(RBP3):c.1588C>T (p.Arg530Cys)

Gene: RBP3 (retinol binding protein 3; plus strand). Cytogenetic location: 10q11.22.
Variant type: single nucleotide variant.
Coding change: c.1588C>T on transcript NM_002900.3 (MANE Select); coding-DNA position 1588, C replaced by T.
Protein change: p.Arg530Cys; replaces arginine 530 with cysteine.
Molecular consequence: missense variant.
Genome position (GRCh38, 1-based): chr10:47,350,072, C>T. VCF-style: chr10-47350072-C-T. GRCh37 (hg19) VCF-style: chr10-48389290-G-A.
Other names: short protein forms R530C.
Identifiers: ClinVar variation 879349 (VCV000879349.14), dbSNP rs202162675, ClinGen allele CA5487486.

ClinVar aggregate classification (germline): Uncertain significance. Review status: criteria provided, multiple submitters, no conflicts (2 of 4 stars). 5 submissions from 5 submitters: Uncertain significance (5). Last evaluated 2024-02-27.

Conditions:
Retinal dystrophy. Also called: Inherited retinal dystrophy. Identifiers: Orphanet 71862, MedGen C0854723, MeSH D058499, MONDO:0019118, HP:0000556.
Inborn genetic diseases. Identifiers: MedGen C0950123, MeSH D030342.
Retinitis pigmentosa (RP). Identifiers: Orphanet 791, MedGen C0035334, MeSH D012174, MONDO:0019200, OMIM 268000. Inheritance: Autosomal dominant, autosomal recessive and X linked inheritance.

Allele frequency attached by ClinVar (database versions not stated): TOPMed 0.00003; 1000 Genomes Project 30x 0.00016; 1000 Genomes Project 0.00020.
gnomAD v4.1: 47 of 1,612,990 alleles (0.0029%); highest among the groups gnomAD compares: Middle Eastern, 0.016%; no homozygotes.

Submissions (5):

Ambry Genetics
Classification: Uncertain significance for Inborn genetic diseases. Last evaluated: 2024-02-27. Review status: criteria provided, single submitter. Criteria: Ambry Variant Classification Scheme 2023. Collection method: clinical testing. Allele origin: germline.

Dept Of Ophthalmology, Nagoya University
Classification: Uncertain significance for Retinal dystrophy. Last evaluated: 2023-10-01. Review status: criteria provided, single submitter. Criteria: Submitter's publication. Collection method: research. Allele origin: germline. Affected: yes.

Labcorp Genetics (formerly Invitae), Labcorp
Classification: Uncertain significance. Last evaluated: 2022-04-30. Review status: criteria provided, single submitter. Criteria: Invitae Variant Classification Sherloc (09022015). Collection method: clinical testing. Allele origin: germline.
Comment: Algorithms developed to predict the effect of missense changes on protein structure and function are either unavailable or do not agree on the potential impact of this missense change (SIFT: "Tolerated"; PolyPhen-2: "Possibly Damaging"; Align-GVGD: "Class C0"). In summary, the available evidence is currently insufficient to determine the role of this variant in disease. Therefore, it has been classified as a Variant of Uncertain Significance. ClinVar contains an entry for this variant (Variation ID: 879349). This sequence change replaces arginine, which is basic and polar, with cysteine, which is neutral and slightly polar, at codon 530 of the RBP3 protein (p.Arg530Cys). This variant is present in population databases (rs202162675, gnomAD 0.02%). This variant has not been reported in the literature in individuals affected with RBP3-related conditions.

Blueprint Genetics
Classification: Uncertain significance. Last evaluated: 2019-12-23. Review status: criteria provided, single submitter. Criteria: ACMG Guidelines, 2015. Collection method: clinical testing. Allele origin: germline.

Illumina Laboratory Services, Illumina
Classification: Uncertain significance for Retinitis pigmentosa. Last evaluated: 2018-01-13. Review status: criteria provided, single submitter. Criteria: ICSL Variant Classification Criteria 13 December 2019. Collection method: clinical testing. Allele origin: germline.